The following is an entry in ClinVar:

ClinVar aggregate classification (germline): Benign/Likely benign. Review status: criteria provided, multiple submitters, no conflicts (2 of 4 stars). 3 submissions from 3 submitters: Benign (2); Likely benign (1). Last evaluated 2026-08-01.

Allele frequency attached by ClinVar (database versions not stated): 1000 Genomes Project 0.00220; 1000 Genomes Project 30x 0.00312; ExAC 0.00585; gnomAD 0.00625 and 0.00640; gnomAD exomes 0.00629 and 0.00803; TOPMed 0.00720; ESP Exome Variant Server 0.00769.
gnomAD v4.1: 12,712 of 1,613,798 alleles (0.79%); highest among the groups gnomAD compares: Middle Eastern, 0.99%; 66 homozygotes.

Submissions (3):

CeGaT Center for Human Genetics Tuebingen
Classification: Likely benign. Last evaluated: 2026-08-01. Review status: criteria provided, single submitter. Criteria: CeGaT Center For Human Genetics Tuebingen Variant Classification Criteria Version 2. Collection method: clinical testing. Allele origin: germline. Affected: yes. Observed: 8 variant alleles.
Comment: CAMSAP1: BP4, BP7, BS2

Labcorp Genetics (formerly Invitae), Labcorp
Classification: Benign. Last evaluated: 2019-12-31. Review status: criteria provided, single submitter. Criteria: Invitae Variant Classification Sherloc (09022015). Collection method: clinical testing. Allele origin: germline.

Breakthrough Genomics
Classification: Benign. Review status: criteria provided, single submitter. Criteria: ACMG Guidelines, 2015. Collection method: not provided. Allele origin: germline. Inheritance: Unknown mechanism. Affected: yes.

NM_015447.4(CAMSAP1):c.4197C>T (p.Gly1399=)

Gene: CAMSAP1 (calmodulin regulated spectrin associated protein 1; minus strand). Cytogenetic location: 9q34.3.
Variant type: single nucleotide variant.
Coding change: c.4197C>T on transcript NM_015447.4 (MANE Select); coding-DNA position 4197, C replaced by T.
Protein change: p.Gly1399=; no amino-acid change (glycine 1399 retained).
Molecular consequence: synonymous variant.
Genome position (GRCh38, 1-based): chr9:135,818,051, G>A on the plus strand (C>T on the coding strand, the complement: CAMSAP1 is on the minus strand). VCF-style: chr9-135818051-G-A. GRCh37 (hg19) VCF-style: chr9-138709897-G-A.
Identifiers: ClinVar variation 788825 (VCV000788825.12), dbSNP rs41309387, ClinGen allele CA5328233.
Genomic context (GRCh38, chr9:135,818,051, plus strand): 5'-GCCCCCGGAATGAACGCTCTCGGGTTCTGTCGTCGCCGCAGAGGCCAAGGACAGGCTGGA[G>A]CCTGACTGAGTCCGGCTCAAGTTATCAGCTGCCAGAGACAGAAACAGACGACGGTTCATG-3'
Protein context (NP_056262.3, residues 1389-1409): TPDNLSRTQS[Gly1399=]SSLSLASAAT